The following is an entry in ClinVar:

NM_001037.5(SCN1B):c.335C>T (p.Thr112Ile)

Gene: SCN1B (sodium voltage-gated channel beta subunit 1; plus strand). Cytogenetic location: 19q13.11.
Variant type: single nucleotide variant.
Coding change: c.335C>T on transcript NM_001037.5 (MANE Select); coding-DNA position 335, C replaced by T.
Protein change: p.Thr112Ile; replaces threonine 112 with isoleucine.
Molecular consequence: missense variant.
Genome position (GRCh38, 1-based): chr19:35,033,626, C>T. VCF-style: chr19-35033626-C-T. GRCh37 (hg19) VCF-style: chr19-35524530-C-T.
Other names: c.236C>T, p.Thr79Ile (NM_001321605.2); c.335C>T, p.Thr112Ile (NM_199037.5); short protein forms T79I, T112I.
Identifiers: ClinVar variation 1998267 (VCV001998267.4), dbSNP rs1311934648, ClinGen allele CA405328807.

ClinVar aggregate classification (germline): Uncertain significance (1 of 4 stars; one submission).

Conditions:
Brugada syndrome 5 (BRGDA5). Identifiers: Orphanet 130, Orphanet 871, MedGen C2748541, MONDO:0013015, OMIM 612838.

Submission:

Labcorp Genetics (formerly Invitae), Labcorp
Classification: Uncertain significance for Brugada syndrome 5. Last evaluated: 2022-09-19. Review status: criteria provided, single submitter. Criteria: Invitae Variant Classification Sherloc (09022015). Collection method: clinical testing. Allele origin: germline.
Comment: In summary, the available evidence is currently insufficient to determine the role of this variant in disease. Therefore, it has been classified as a Variant of Uncertain Significance. Algorithms developed to predict the effect of missense changes on protein structure and function are either unavailable or do not agree on the potential impact of this missense change (SIFT: "Deleterious"; PolyPhen-2: "Probably Damaging"; Align-GVGD: "Class C0"). This variant has not been reported in the literature in individuals affected with SCN1B-related conditions. This variant is not present in population databases (gnomAD no frequency). This sequence change replaces threonine, which is neutral and polar, with isoleucine, which is neutral and non-polar, at codon 112 of the SCN1B protein (p.Thr112Ile).